The following is an entry in ClinVar:

ClinVar aggregate classification (germline): Uncertain significance (1 of 4 stars; one submission).

Conditions:
PGM1-congenital disorder of glycosylation. Also called: CDG It; PHOSPHOGLUCOMUTASE 1 DEFICIENCY; PGM1 DEFICIENCY; GLYCOGEN STORAGE DISEASE XIV; GSD XIV; Congenital disorder of glycosylation type 1t. Identifiers: Orphanet 319646, MedGen C2752015, MONDO:0013968, OMIM 614921.

Allele frequency attached by ClinVar (database versions not stated): gnomAD 0.00001; TOPMed 0.00001.
gnomAD v4.1: 2 of 1,613,754 alleles (0.00012%); highest among the groups gnomAD compares: Admixed American, 0.0033%; no homozygotes.

Submission:

Labcorp Genetics (formerly Invitae), Labcorp
Classification: Uncertain significance for PGM1-congenital disorder of glycosylation. Last evaluated: 2022-09-06. Review status: criteria provided, single submitter. Criteria: Invitae Variant Classification Sherloc (09022015). Collection method: clinical testing. Allele origin: germline.
Comment: This sequence change replaces valine, which is neutral and non-polar, with aspartic acid, which is acidic and polar, at codon 465 of the PGM1 protein (p.Val465Asp). In summary, the available evidence is currently insufficient to determine the role of this variant in disease. Therefore, it has been classified as a Variant of Uncertain Significance. Algorithms developed to predict the effect of missense changes on protein structure and function (SIFT, PolyPhen-2, Align-GVGD) all suggest that this variant is likely to be tolerated. This variant has not been reported in the literature in individuals affected with PGM1-related conditions. This variant is present in population databases (no rsID available, gnomAD 0.003%).

NM_002633.3(PGM1):c.1394T>A (p.Val465Asp)

Gene: PGM1 (phosphoglucomutase 1; plus strand). Cytogenetic location: 1p31.3.
Variant type: single nucleotide variant.
Coding change: c.1394T>A on transcript NM_002633.3 (MANE Select); coding-DNA position 1394, T replaced by A.
Protein change: p.Val465Asp; replaces valine 465 with aspartic acid.
Molecular consequence: missense variant.
Genome position (GRCh38, 1-based): chr1:63,651,782, T>A. VCF-style: chr1-63651782-T-A. GRCh37 (hg19) VCF-style: chr1-64117453-T-A.
Other names: c.1448T>A, p.Val483Asp (NM_001172818.1); c.803T>A, p.Val268Asp (NM_001172819.2); short protein forms V268D, V465D, V483D.
Identifiers: ClinVar variation 1927497 (VCV001927497.5), dbSNP rs1472992493, ClinGen allele CA340638796.